The following is an entry in ClinVar:

NM_000135.4(FANCA):c.1339T>C (p.Ser447Pro)

Gene: FANCA (FA complementation group A; minus strand). Cytogenetic location: 16q24.3.
Variant type: single nucleotide variant.
Coding change: c.1339T>C on transcript NM_000135.4 (MANE Select); coding-DNA position 1339, T replaced by C.
Protein change: p.Ser447Pro; replaces serine 447 with proline.
Molecular consequence: missense variant.
Genome position (GRCh38, 1-based): chr16:89,791,423, A>G on the plus strand (T>C on the coding strand, the complement: FANCA is on the minus strand). VCF-style: chr16-89791423-A-G. GRCh37 (hg19) VCF-style: chr16-89857831-A-G.
Other names: c.1339T>C, p.Ser447Pro (NM_001286167.3); short protein forms S447P.
Identifiers: ClinVar variation 4022280 (VCV004022280.1).

ClinVar aggregate classification (germline): Uncertain significance (1 of 4 stars; one submission).

Conditions:
Inborn genetic diseases. Identifiers: MedGen C0950123, MeSH D030342.

Submission:

Ambry Genetics
Classification: Uncertain significance for Inborn genetic diseases. Last evaluated: 2025-05-17. Review status: criteria provided, single submitter. Criteria: Ambry Variant Classification Scheme 2023. Collection method: clinical testing. Allele origin: germline.
Comment: The p.S447P variant (also known as c.1339T>C), located in coding exon 14 of the FANCA gene, results from a T to C substitution at nucleotide position 1339. The serine at codon 447 is replaced by proline, an amino acid with similar properties. This amino acid position is conserved. In addition, the in silico prediction for this alteration is inconclusive. Based on the available evidence, the clinical significance of this variant remains unclear.